The following is an entry in ClinVar:

ClinVar aggregate classification (germline): Uncertain significance. Review status: criteria provided, multiple submitters, no conflicts (2 of 4 stars). 2 submissions from 2 submitters: Uncertain significance (2). Last evaluated 2026-05-05.

Conditions:
Inborn genetic diseases. Identifiers: MedGen C0950123, MeSH D030342.

Submissions (2):

Ambry Genetics
Classification: Uncertain significance for Inborn genetic diseases. Last evaluated: 2026-05-05. Review status: criteria provided, single submitter. Criteria: Ambry Variant Classification Scheme 2023. Collection method: clinical testing. Allele origin: germline.

Labcorp Genetics (formerly Invitae), Labcorp
Classification: Uncertain significance. Last evaluated: 2025-03-17. Review status: criteria provided, single submitter. Criteria: Invitae Variant Classification Sherloc (09022015). Collection method: clinical testing. Allele origin: germline.
Comment: This sequence change replaces leucine, which is neutral and non-polar, with isoleucine, which is neutral and non-polar, at codon 1223 of the COL4A1 protein (p.Leu1223Ile). This variant is not present in population databases (gnomAD no frequency). This variant has not been reported in the literature in individuals affected with COL4A1-related conditions. ClinVar contains an entry for this variant (Variation ID: 2815593). Invitae Evidence Modeling of protein sequence and biophysical properties (such as structural, functional, and spatial information, amino acid conservation, physicochemical variation, residue mobility, and thermodynamic stability) indicates that this missense variant is not expected to disrupt COL4A1 protein function with a negative predictive value of 95%. In summary, the available evidence is currently insufficient to determine the role of this variant in disease. Therefore, it has been classified as a Variant of Uncertain Significance.

NM_001845.6(COL4A1):c.3667T>A (p.Leu1223Ile)

Gene: COL4A1 (collagen type IV alpha 1 chain; minus strand). Cytogenetic location: 13q34.
Variant type: single nucleotide variant.
Coding change: c.3667T>A on transcript NM_001845.6 (MANE Select); coding-DNA position 3667, T replaced by A.
Protein change: p.Leu1223Ile; replaces leucine 1223 with isoleucine.
Molecular consequence: missense variant.
Genome position (GRCh38, 1-based): chr13:110,170,622, A>T on the plus strand (T>A on the coding strand, the complement: COL4A1 is on the minus strand). VCF-style: chr13-110170622-A-T. GRCh37 (hg19) VCF-style: chr13-110822969-A-T.
Other names: c.3667T>A (NM_001845.4); short protein forms L1223I.
Identifiers: ClinVar variation 2815593 (VCV002815593.4), dbSNP rs2501761559, ClinGen allele CA388662487.